The following is an entry in ClinVar:

ClinVar aggregate classification (germline): Benign (1 of 4 stars; one submission).

Allele frequency attached by ClinVar (database versions not stated): 1000 Genomes Project 0.39357; 1000 Genomes Project 30x 0.39991; TOPMed 0.46570; gnomAD 0.46949 and 0.48283.
gnomAD v4.1: 71,212 of 152,026 alleles (47%); highest among the groups gnomAD compares: African/African-American, 63%; 17,718 homozygotes.

Submission:

GeneDx
Classification: Benign. Last evaluated: 2018-06-14. Review status: criteria provided, single submitter. Criteria: GeneDx Variant Classification (06012015). Collection method: clinical testing. Allele origin: germline. Affected: yes.
Comment: This variant is considered likely benign or benign based on one or more of the following criteria: it is a conservative change, it occurs at a poorly conserved position in the protein, it is predicted to be benign by multiple in silico algorithms, and/or has population frequency not consistent with disease.

NM_212552.3(BOLA3):c.169+321C>T

Gene: BOLA3 (bolA family member 3; minus strand). Cytogenetic location: 2p13.1.
Variant type: single nucleotide variant.
Coding change: c.169+321C>T on transcript NM_212552.3 (MANE Select); 321 bases into the intron after coding-DNA position 169, C replaced by T.
Molecular consequence: intron variant.
Genome position (GRCh38, 1-based): chr2:74,144,868, G>A on the plus strand (C>T on the coding strand, the complement: BOLA3 is on the minus strand). VCF-style: chr2-74144868-G-A. GRCh37 (hg19) VCF-style: chr2-74371995-G-A.
Other names: c.169+321C>T (NM_001035505.2).
Identifiers: ClinVar variation 683413 (VCV000683413.1), dbSNP rs828889, ClinGen allele CA15185302.